The following is an entry in ClinVar:

NM_015338.6(ASXL1):c.1835G>A (p.Arg612Lys)

Gene: ASXL1 (ASXL transcriptional regulator 1; plus strand). Cytogenetic location: 20q11.21.
Variant type: single nucleotide variant.
Coding change: c.1835G>A on transcript NM_015338.6 (MANE Select); coding-DNA position 1835, G replaced by A.
Protein change: p.Arg612Lys; replaces arginine 612 with lysine.
Molecular consequence: missense variant.
Genome position (GRCh38, 1-based): chr20:32,434,547, G>A. VCF-style: chr20-32434547-G-A. GRCh37 (hg19) VCF-style: chr20-31022350-G-A.
Other names: c.1652G>A, p.Arg551Lys (NM_001363734.1); short protein forms R551K, R612K.
Identifiers: ClinVar variation 2012647 (VCV002012647.4), dbSNP rs2515551678, ClinGen allele CA408558018.

ClinVar aggregate classification (germline): Uncertain significance (1 of 4 stars; one submission).

Submission:

Labcorp Genetics (formerly Invitae), Labcorp
Classification: Uncertain significance. Last evaluated: 2023-01-15. Review status: criteria provided, single submitter. Criteria: Invitae Variant Classification Sherloc (09022015). Collection method: clinical testing. Allele origin: germline.
Comment: In summary, the available evidence is currently insufficient to determine the role of this variant in disease. Therefore, it has been classified as a Variant of Uncertain Significance. Algorithms developed to predict the effect of missense changes on protein structure and function (SIFT, PolyPhen-2, Align-GVGD) all suggest that this variant is likely to be tolerated. This variant has not been reported in the literature in individuals affected with ASXL1-related conditions. This variant is not present in population databases (gnomAD no frequency). This sequence change replaces arginine, which is basic and polar, with lysine, which is basic and polar, at codon 612 of the ASXL1 protein (p.Arg612Lys).